The following is an entry in ClinVar:

NM_005956.4(MTHFD1):c.791G>A (p.Arg264Lys)

Gene: MTHFD1 (methylenetetrahydrofolate dehydrogenase, cyclohydrolase and formyltetrahydrofolate synthetase 1; plus strand). Cytogenetic location: 14q23.3.
Variant type: single nucleotide variant.
Coding change: c.791G>A on transcript NM_005956.4 (MANE Select); coding-DNA position 791, G replaced by A.
Protein change: p.Arg264Lys; replaces arginine 264 with lysine.
Molecular consequence: missense variant.
Genome position (GRCh38, 1-based): chr14:64,424,867, G>A. VCF-style: chr14-64424867-G-A. GRCh37 (hg19) VCF-style: chr14-64891585-G-A.
Other names: c.791G>A, p.Arg264Lys (NM_001364837.1); short protein forms R264K.
Identifiers: ClinVar variation 3697373 (VCV003697373.2).

ClinVar aggregate classification (germline): Uncertain significance (1 of 4 stars; one submission).

Submission:

Labcorp Genetics (formerly Invitae), Labcorp
Classification: Uncertain significance. Last evaluated: 2024-10-07. Review status: criteria provided, single submitter. Criteria: Invitae Variant Classification Sherloc (09022015). Collection method: clinical testing. Allele origin: germline.
Comment: This sequence change replaces arginine, which is basic and polar, with lysine, which is basic and polar, at codon 264 of the MTHFD1 protein (p.Arg264Lys). This variant is not present in population databases (gnomAD no frequency). This variant has not been reported in the literature in individuals affected with MTHFD1-related conditions. Invitae Evidence Modeling of protein sequence and biophysical properties (such as structural, functional, and spatial information, amino acid conservation, physicochemical variation, residue mobility, and thermodynamic stability) indicates that this missense variant is not expected to disrupt MTHFD1 protein function with a negative predictive value of 80%. In summary, the available evidence is currently insufficient to determine the role of this variant in disease. Therefore, it has been classified as a Variant of Uncertain Significance.